The following is an entry in ClinVar:

NM_016932.5(SIX2):c.568A>G (p.Asn190Asp)

Gene: SIX2 (SIX homeobox 2; minus strand). Cytogenetic location: 2p21.
Variant type: single nucleotide variant.
Coding change: c.568A>G on transcript NM_016932.5 (MANE Select); coding-DNA position 568, A replaced by G.
Protein change: p.Asn190Asp; replaces asparagine 190 with aspartic acid.
Molecular consequence: missense variant.
Genome position (GRCh38, 1-based): chr2:45,006,478, T>C on the plus strand (A>G on the coding strand, the complement: SIX2 is on the minus strand). VCF-style: chr2-45006478-T-C. GRCh37 (hg19) VCF-style: chr2-45233617-T-C.
Other names: short protein forms N190D.
Identifiers: ClinVar variation 2876736 (VCV002876736.3), dbSNP rs1194969033, ClinGen allele CA346801439.

ClinVar aggregate classification (germline): Uncertain significance (1 of 4 stars; one submission).

Allele frequency attached by ClinVar (database versions not stated): TOPMed below 0.00001; gnomAD exomes below 0.00001; gnomAD 0.00001.

Submission:

Labcorp Genetics (formerly Invitae), Labcorp
Classification: Uncertain significance. Last evaluated: 2025-06-12. Review status: criteria provided, single submitter. Criteria: Invitae Variant Classification Sherloc (09022015). Collection method: clinical testing. Allele origin: germline.
Comment: This sequence change replaces asparagine, which is neutral and polar, with aspartic acid, which is acidic and polar, at codon 190 of the SIX2 protein (p.Asn190Asp). This variant is present in population databases (no rsID available, gnomAD 0.01%). This variant has not been reported in the literature in individuals affected with SIX2-related conditions. ClinVar contains an entry for this variant (Variation ID: 2876736). Invitae Evidence Modeling of protein sequence and biophysical properties (such as structural, functional, and spatial information, amino acid conservation, physicochemical variation, residue mobility, and thermodynamic stability) indicates that this missense variant is not expected to disrupt SIX2 protein function with a negative predictive value of 80%. In summary, the available evidence is currently insufficient to determine the role of this variant in disease. Therefore, it has been classified as a Variant of Uncertain Significance.